The following is an entry in ClinVar:

NM_000136.3(FANCC):c.*7C>T

Genes: AOPEP (aminopeptidase O (putative); plus strand), FANCC (FA complementation group C; minus strand). Cytogenetic location: 9q22.32.
Variant type: single nucleotide variant.
Coding change: c.*7C>T on transcript NM_000136.3 (MANE Select); 7 bases downstream of the stop codon, C replaced by T.
Molecular consequence: 3 prime UTR variant.
Genome position (GRCh38, 1-based): chr9:95,101,700, G>A on the plus strand (C>T on the coding strand, the complement: FANCC is on the minus strand). VCF-style: chr9-95101700-G-A. GRCh37 (hg19) VCF-style: chr9-97863982-G-A.
Other names: c.*7C>T (NM_001243743.2, NM_001243743.1).
Identifiers: ClinVar variation 377849 (VCV000377849.13), dbSNP rs372511678, ClinGen allele CA5137282.

ClinVar aggregate classification (germline): Conflicting classifications of pathogenicity. Review status: criteria provided, conflicting classifications (1 of 4 stars). 6 submissions from 6 submitters: Uncertain significance (3); Benign (1). 2 of the submissions do not count toward it. Last evaluated 2025-08-21.

Conditions:
FANCC-related disorder. Also called: FANCC-related condition.
Fanconi anemia (FA). Also called: Fanconi's anemia. Identifiers: Orphanet 84, MedGen C0015625, MeSH D005199, MONDO:0019391.

Allele frequency attached by ClinVar (database versions not stated): TOPMed below 0.00001; ExAC 0.00001; gnomAD exomes 0.00002; gnomAD 0.00003 and 0.00004; ESP Exome Variant Server 0.00008.
gnomAD v4.1: 17 of 1,613,544 alleles (0.0011%); highest among the groups gnomAD compares: African/African-American, 0.0027%; no homozygotes.

Submissions (6):

Quest Diagnostics Nichols Institute San Juan Capistrano
Classification: Uncertain significance. Last evaluated: 2025-08-21. Review status: criteria provided, single submitter. Criteria: Quest Diagnostics criteria. Collection method: clinical testing. Allele origin: unknown.
Comment: The FANCC c.*7C>T variant has not been reported in individuals with FANCC-related conditions in the published literature. The frequency of this variant in the general population (Genome Aggregation Database) is uninformative in the assessment of its pathogenicity. Based on the available information, we are unable to determine the clinical significance of this variant.

Women's Health and Genetics/Laboratory Corporation of America, LabCorp
Classification: Uncertain significance. Last evaluated: 2024-06-06. Review status: criteria provided, single submitter. Criteria: LabCorp Variant Classification Summary - May 2015. Collection method: clinical testing. Allele origin: germline.

Genetic Services Laboratory, University of Chicago
Classification: Uncertain significance. Last evaluated: 2015-10-16. Review status: criteria provided, single submitter. Criteria: ACMG Guidelines, 2015. Collection method: clinical testing. Allele origin: germline. Affected: no.

GeneDx
Classification: Benign. Last evaluated: 2015-04-03. Review status: criteria provided, single submitter. Criteria: GeneDx Variant Classification (06012015). Collection method: clinical testing. Allele origin: germline. Affected: yes.
Comment: This variant is considered likely benign or benign based on one or more of the following criteria: it is a conservative change, it occurs at a poorly conserved position in the protein, it is predicted to be benign by multiple in silico algorithms, and/or has population frequency not consistent with disease.

PreventionGenetics, part of Exact Sciences
Classification: Likely benign for FANCC-related condition. Last evaluated: 2020-03-20. Review status: no assertion criteria provided. Collection method: clinical testing. Allele origin: germline. Not counted in ClinVar's aggregate classification.
Comment: This variant is classified as likely benign based on ACMG/AMP sequence variant interpretation guidelines (Richards et al. 2015 PMID: 25741868, with internal and published modifications).

Natera, Inc.
Classification: Likely benign for Fanconi anemia. Last evaluated: 2018-11-03. Review status: no assertion criteria provided. Collection method: clinical testing. Allele origin: germline. Not counted in ClinVar's aggregate classification.